The following is an entry in ClinVar:

NM_006648.4(WNK2):c.5405G>T (p.Gly1802Val)

Gene: WNK2 (WNK lysine deficient protein kinase 2; plus strand). Cytogenetic location: 9q22.31.
Variant type: single nucleotide variant.
Coding change: c.5405G>T on transcript NM_006648.4 (MANE Select); coding-DNA position 5405, G replaced by T.
Protein change: p.Gly1802Val; replaces glycine 1802 with valine.
Molecular consequence: missense variant.
Genome position (GRCh38, 1-based): chr9:93,292,870, G>T. VCF-style: chr9-93292870-G-T. GRCh37 (hg19) VCF-style: chr9-96055152-G-T.
Other names: c.5516G>T, p.Gly1839Val (NM_001282394.3); short protein forms G1802V, G1839V.
Identifiers: ClinVar variation 3817172 (VCV003817172.1).

ClinVar aggregate classification (germline): Uncertain significance (1 of 4 stars; one submission).

gnomAD v4.1: 3 of 1,500,802 alleles (0.0002%); highest among the groups gnomAD compares: Non-Finnish European, 0.00027%; no homozygotes.

Submission:

Ambry Genetics
Classification: Uncertain significance. Last evaluated: 2025-02-27. Review status: criteria provided, single submitter. Criteria: Ambry Variant Classification Scheme 2023. Collection method: clinical testing. Allele origin: germline.
Comment: The p.G1802V variant (also known as c.5405G>T), located in coding exon 22 of the WNK2 gene, results from a G to T substitution at nucleotide position 5405. The glycine at codon 1802 is replaced by valine, an amino acid with dissimilar properties. This amino acid position is conserved. In addition, this alteration is predicted to be tolerated by in silico analysis. Based on the available evidence, the clinical significance of this variant remains unclear.